The following is an entry in ClinVar:

ClinVar aggregate classification (germline): Benign/Likely benign. Review status: criteria provided, multiple submitters, no conflicts (2 of 4 stars). 3 submissions from 3 submitters: Benign (1); Likely benign (2). Last evaluated 2025-10-24.

Conditions:
Tuberous sclerosis 2 (TSC2). Identifiers: Orphanet 805, MedGen C1860707, MONDO:0013199, OMIM 613254.
Hereditary cancer-predisposing syndrome. Also called: Hereditary neoplastic syndrome; Neoplastic Syndromes, Hereditary; Tumor predisposition; Hereditary Cancer Syndrome. Identifiers: Orphanet 140162, MedGen C0027672, MeSH D009386, MONDO:0015356.

Allele frequency attached by ClinVar (database versions not stated): gnomAD exomes below 0.00001.
gnomAD v4.1: 1 of 1,613,942 alleles (0.000062%); highest among the groups gnomAD compares: South Asian, 0.0011%; no homozygotes.

Submissions (3):

Labcorp Genetics (formerly Invitae), Labcorp
Classification: Likely benign for Tuberous sclerosis 2. Last evaluated: 2025-10-24. Review status: criteria provided, single submitter. Criteria: Invitae Variant Classification Sherloc (09022015). Collection method: clinical testing. Allele origin: germline.

Myriad Genetics, Inc.
Classification: Benign for Tuberous sclerosis 2. Last evaluated: 2025-05-13. Review status: criteria provided, single submitter. Criteria: Myriad Autosomal Dominant, Autosomal Recessive and X-Linked Classification Criteria (2023). Collection method: clinical testing. Allele origin: unknown.
Comment: This variant is considered benign. This variant is a silent/synonymous amino acid change and it is not expected to impact splicing.

Ambry Genetics
Classification: Likely benign for Hereditary cancer-predisposing syndrome. Last evaluated: 2022-06-04. Review status: criteria provided, single submitter. Criteria: Ambry Variant Classification Scheme 2023. Collection method: clinical testing. Allele origin: germline.

NM_000548.5(TSC2):c.1047T>C (p.Tyr349=)

Gene: TSC2 (TSC complex subunit 2; plus strand). Cytogenetic location: 16p13.3.
Variant type: single nucleotide variant.
Coding change: c.1047T>C on transcript NM_000548.5 (MANE Select); coding-DNA position 1047, T replaced by C.
Protein change: p.Tyr349=; no amino-acid change (tyrosine 349 retained).
Molecular consequence: synonymous variant.
Genome position (GRCh38, 1-based): chr16:2,060,741, T>C. VCF-style: chr16-2060741-T-C. GRCh37 (hg19) VCF-style: chr16-2110742-T-C.
Other names: c.1047T>C, p.Tyr349= (NM_001077183.3, NM_001114382.3, NM_001363528.2 and 3 more transcripts); c.936T>C, p.Tyr312= (NM_001318827.2); c.900T>C, p.Tyr300= (NM_001318829.2); c.447T>C, p.Tyr149= (NM_001318831.2); c.1080T>C, p.Tyr360= (NM_001318832.2).
Identifiers: ClinVar variation 467841 (VCV000467841.15), dbSNP rs1042628888, ClinGen allele CA276776646.
Genomic context (GRCh38, chr16:2,060,741, plus strand): 5'-TCCGAACGAGGTGGTGTCCTATGAGATCGTCCTGTCCATCACCAGGCTCATCAAGAAGTA[T>C]AGGAAGGAGCTCCAGGTGGTGGCGTGGGACATTCTGCTGAACATCATCGAACGGCTCCTT-3'
Protein context (NP_000539.2, residues 339-359): VLSITRLIKK[Tyr349=]RKELQVVAWD